The following is an entry in ClinVar:

ClinVar aggregate classification (germline): Uncertain significance (1 of 4 stars; one submission).

Submission:

CeGaT Center for Human Genetics Tuebingen
Classification: Uncertain significance. Last evaluated: 2023-12-01. Review status: criteria provided, single submitter. Criteria: CeGaT Center For Human Genetics Tuebingen Variant Classification Criteria Version 2. Collection method: clinical testing. Allele origin: germline. Affected: yes. Observed: 1 variant allele.
Comment: PHACTR1: PM2

NM_030948.6(PHACTR1):c.490G>A (p.Asp164Asn)

Gene: PHACTR1 (phosphatase and actin regulator 1; plus strand). Cytogenetic location: 6p24.1.
Variant type: single nucleotide variant.
Coding change: c.490G>A on transcript NM_030948.6 (MANE Select); coding-DNA position 490, G replaced by A.
Protein change: p.Asp164Asn; replaces aspartic acid 164 with asparagine.
Molecular consequence: missense variant.
Genome position (GRCh38, 1-based): chr6:13,160,278, G>A. VCF-style: chr6-13160278-G-A. GRCh37 (hg19) VCF-style: chr6-13160510-G-A.
Other names: c.490G>A, p.Asp164Asn (NM_001242648.4, NM_001322308.3, NM_001322309.3 and 3 more transcripts); c.214G>A, p.Asp72Asn (NM_001322311.2, NM_001322312.3, NM_001322313.2 and 1 more transcripts); c.493G>A, p.Asp165Asn (NM_001322314.4); short protein forms D164N, D165N, D72N.
Identifiers: ClinVar variation 3026638 (VCV003026638.22), dbSNP rs1758797444, ClinGen allele CA362859477.